The following is an entry in ClinVar:

ClinVar aggregate classification (germline): Pathogenic (1 of 4 stars; one submission).

Conditions:
Hereditary cancer-predisposing syndrome. Also called: Hereditary Cancer Syndrome; Hereditary neoplastic syndrome; Tumor predisposition; Neoplastic Syndromes, Hereditary. Identifiers: Orphanet 140162, MedGen C0027672, MeSH D009386, MONDO:0015356.

Submission:

Labcorp Genetics (formerly Invitae), Labcorp
Classification: Pathogenic for Hereditary cancer-predisposing syndrome. Last evaluated: 2021-09-29. Review status: criteria provided, single submitter. Criteria: Invitae Variant Classification Sherloc (09022015). Collection method: clinical testing. Allele origin: germline.
Comment: Loss-of-function variants in RAD50 are known to be pathogenic (PMID: 16385572, 19409520). For these reasons, this variant has been classified as Pathogenic. This variant has not been reported in the literature in individuals with RAD50-related conditions. This variant is not present in population databases (ExAC no frequency). This sequence change creates a premature translational stop signal (p.Asn607Lysfs*15) in the RAD50 gene. It is expected to result in an absent or disrupted protein product.

Literature cited by the submitters: PubMed 16385572; PubMed 19409520.

NM_005732.4(RAD50):c.1821_1849del (p.Asn607fs)

Gene: RAD50 (RAD50 double strand break repair protein; plus strand). Cytogenetic location: 5q31.1.
Variant type: Deletion.
Coding change: c.1821_1849del on transcript NM_005732.4 (MANE Select); coding-DNA positions 1821 to 1849, 29 bases deleted (TAAAAATCATATAAATAATGAACTAAAAA).
Protein change: p.Asn607fs; shifts the reading frame from asparagine 607.
Molecular consequence: frameshift variant.
Genome position (GRCh38, 1-based): chr5:132,594,896-132,594,924, TAAAAATCATATAAATAATGAACTAAAAA deleted; deleting any 29 consecutive bases within chr5:132,594,894-132,594,924 gives the same sequence; the c. name uses the placement nearest the transcript's 3' end. VCF-style (leftmost placement, unchanged base first): chr5-132594893-GAATAAAAATCATATAAATAATGAACTAAA-G. GRCh37 (hg19) VCF-style: chr5-131930585-GAATAAAAATCATATAAATAATGAACTAAA-G.
Other names: short protein forms N607fs.
Identifiers: ClinVar variation 841180 (VCV000841180.8), dbSNP rs1750761217, ClinGen allele CA916082766.
Genomic context (GRCh38, chr5:132,594,893, plus strand): 5'-TTTTAAAATGAAAATCCATATTTGCTCTTATTTTAGCAAGGAACTAGCTTCATCTGAGCA[GAATAAAAATCATATAAATAATGAACTAAA>G]AAGAAAGGAAGAGCAGTTGTCCAGTTACGAAGACAAGCTGTTTGATGTTTGTGGTAGCCA-3'